The following is an entry in ClinVar:

NM_003049.4(SLC10A1):c.598G>A (p.Val200Met)

Gene: SLC10A1 (solute carrier family 10 member 1; minus strand). Cytogenetic location: 14q24.1.
Variant type: single nucleotide variant.
Coding change: c.598G>A on transcript NM_003049.4 (MANE Select); coding-DNA position 598, G replaced by A.
Protein change: p.Val200Met; replaces valine 200 with methionine.
Molecular consequence: missense variant.
Genome position (GRCh38, 1-based): chr14:69,779,330, C>T on the plus strand (G>A on the coding strand, the complement: SLC10A1 is on the minus strand). VCF-style: chr14-69779330-C-T. GRCh37 (hg19) VCF-style: chr14-70246047-C-T.
Other names: short protein forms V200M.
Identifiers: ClinVar variation 2629016 (VCV002629016.2), dbSNP rs202213974, ClinGen allele CA7246079.

ClinVar aggregate classification (germline): Likely benign (0 of 4 stars; one submission).

Conditions:
SLC10A1-related disorder. Also called: SLC10A1-related condition.

Allele frequency attached by ClinVar (database versions not stated): gnomAD exomes 0.00005; TOPMed 0.00010; gnomAD 0.00011; ExAC 0.00022; 1000 Genomes Project 30x 0.00031; 1000 Genomes Project 0.00040.

Submission:

PreventionGenetics, part of Exact Sciences
Classification: Likely benign for SLC10A1-related condition. Last evaluated: 2024-03-25. Review status: no assertion criteria provided. Collection method: clinical testing. Allele origin: germline.
Comment: This variant is classified as likely benign based on ACMG/AMP sequence variant interpretation guidelines (Richards et al. 2015 PMID: 25741868, with internal and published modifications).